The following is an entry in ClinVar:

ClinVar aggregate classification (germline): Conflicting classifications of pathogenicity. Review status: criteria provided, conflicting classifications (1 of 4 stars). 2 submissions from 2 submitters: Uncertain significance (1); Likely benign (1). Last evaluated 2025-06-24.

Conditions:
Epilepsy, X-linked 1, with variable learning disabilities and behavior disorders. Also called: X-linked epilepsy-learning disabilities-behavior disorders syndrome. Identifiers: Orphanet 85294, MedGen C5774177, MONDO:0010339, OMIM 300491.

Allele frequency attached by ClinVar (database versions not stated): ExAC 0.00003; gnomAD 0.00003 and 0.00004; gnomAD exomes 0.00004; TOPMed 0.00004; ESP Exome Variant Server 0.00009; 1000 Genomes Project 30x 0.00021; 1000 Genomes Project 0.00026.
gnomAD v4.1: 65 of 1,209,566 alleles (0.0054%); highest among the groups gnomAD compares: Middle Eastern, 0.023%; no homozygotes.

Submissions (2):

Labcorp Genetics (formerly Invitae), Labcorp
Classification: Uncertain significance for Epilepsy, X-linked 1, with variable learning disabilities and behavior disorders. Last evaluated: 2025-06-24. Review status: criteria provided, single submitter. Criteria: Invitae Variant Classification Sherloc (09022015). Collection method: clinical testing. Allele origin: germline.
Comment: This sequence change replaces arginine, which is basic and polar, with cysteine, which is neutral and slightly polar, at codon 194 of the SYN1 protein (p.Arg194Cys). This variant is present in population databases (rs138985151, gnomAD 0.008%). This variant has not been reported in the literature in individuals affected with SYN1-related conditions. ClinVar contains an entry for this variant (Variation ID: 378696). An algorithm developed to predict the effect of missense changes on protein structure and function (PolyPhen-2) suggests that this variant is likely to be disruptive. In summary, the available evidence is currently insufficient to determine the role of this variant in disease. Therefore, it has been classified as a Variant of Uncertain Significance.

GeneDx
Classification: Likely benign. Last evaluated: 2015-06-10. Review status: criteria provided, single submitter. Criteria: GeneDx Variant Classification (06012015). Collection method: clinical testing. Allele origin: germline. Affected: yes.
Comment: This variant is considered likely benign or benign based on one or more of the following criteria: it is a conservative change, it occurs at a poorly conserved position in the protein, it is predicted to be benign by multiple in silico algorithms, and/or has population frequency not consistent with disease.

NM_006950.3(SYN1):c.580C>T (p.Arg194Cys)

Gene: SYN1 (synapsin I; minus strand). Cytogenetic location: Xp11.23.
Variant type: single nucleotide variant.
Coding change: c.580C>T on transcript NM_006950.3 (MANE Select); coding-DNA position 580, C replaced by T.
Protein change: p.Arg194Cys; replaces arginine 194 with cysteine.
Molecular consequence: missense variant.
Genome position (GRCh38, 1-based): chrX:47,605,327, G>A on the plus strand (C>T on the coding strand, the complement: SYN1 is on the minus strand). VCF-style: chrX-47605327-G-A. GRCh37 (hg19) VCF-style: chrX-47464726-G-A.
Other names: c.580C>T, p.Arg194Cys (NM_133499.2); short protein forms R194C.
Identifiers: ClinVar variation 378696 (VCV000378696.8), dbSNP rs138985151, ClinGen allele CA10398703.